The following is an entry in ClinVar:

ClinVar aggregate classification (germline): Conflicting classifications of pathogenicity. Review status: criteria provided, conflicting classifications (1 of 4 stars). 3 submissions from 3 submitters: Uncertain significance (1); Likely benign (2). Last evaluated 2026-01-13.

Conditions:
Multiple endocrine neoplasia, type 1 (MEN1). Also called: MEA I; MEN I; WERMER SYNDROME; Endocrine adenomatosis multiple; MEN 1. Identifiers: Orphanet 652, MedGen C0025267, MeSH D018761, MONDO:0007540, OMIM 131100.
Hereditary cancer-predisposing syndrome. Also called: Hereditary Cancer Syndrome; Neoplastic Syndromes, Hereditary; Tumor predisposition; Hereditary neoplastic syndrome. Identifiers: Orphanet 140162, MedGen C0027672, MeSH D009386, MONDO:0015356.

Submissions (3):

Labcorp Genetics (formerly Invitae), Labcorp
Classification: Likely benign for Multiple endocrine neoplasia, type 1. Last evaluated: 2026-01-13. Review status: criteria provided, single submitter. Criteria: Invitae Variant Classification Sherloc (09022015). Collection method: clinical testing. Allele origin: germline.

All of Us Research Program, National Institutes of Health
Classification: Uncertain significance for Multiple endocrine neoplasia, type 1. Last evaluated: 2024-08-13. Review status: criteria provided, single submitter. Criteria: ACMG Guidelines, 2015. Collection method: clinical testing. Allele origin: germline. Inheritance: Autosomal dominant inheritance. Observed: 1 variant allele, 1 heterozygote.
Comment: This variant causes the in-frame duplication of one amino acid, proline, at codon 546 in the MEN1 protein. To our knowledge, functional studies have not been reported for this variant. This variant has not been reported in individuals affected with MEN1-related disorders in the literature. This variant has been identified in 1/251266 chromosomes in the general population by the Genome Aggregation Database (gnomAD). The available evidence is insufficient to determine the role of this variant in disease conclusively. Therefore, this variant is classified as a Variant of Uncertain Significance.

This study involves interpretation of variants in research participants for the purpose of population health screening. Participant phenotype was not available at the time of variant classification. Additional details can be found in publication PMID: 35346344, PMCID: PMC8962531

Ambry Genetics
Classification: Likely benign for Hereditary cancer-predisposing syndrome. Last evaluated: 2023-05-22. Review status: criteria provided, single submitter. Criteria: Ambry Variant Classification Scheme 2023. Collection method: clinical testing. Allele origin: germline.

NM_001370259.2(MEN1):c.1633CCG[3] (p.Pro546dup)

Gene: MEN1 (menin 1; minus strand). Cytogenetic location: 11q13.1.
Variant type: Microsatellite.
Coding change: c.1633CCG[3] on transcript NM_001370259.2 (MANE Select); three copies in a row of the 3-base unit CCG starting at c.1633; the reference has two copies in a row; one copy, 3 bases duplicated.
Protein change: p.Pro546dup; duplicates proline 546.
Molecular consequence: inframe insertion.
Genome position (GRCh38, 1-based): chr11:64,804,529-64,804,531, CGG duplicated on the plus strand (CCG on the coding strand, the reverse complement: MEN1 is on the minus strand); duplicating any 3 consecutive bases within chr11:64,804,529-64,804,534 gives the same sequence; the position shown is the placement nearest the transcript's 3' end. VCF-style (leftmost placement, unchanged base first): chr11-64804528-C-CCGG. GRCh37 (hg19) VCF-style: chr11-64572000-C-CCGG.
Other names: c.1636_1638dupCCG (NM_130799.2); c.1636_1638dup (NM_130799.2); c.1648CCG[3], p.Pro551dup (NM_000244.4, NM_130800.3, NM_130801.3 and 3 more transcripts); c.1759CCG[3], p.Pro588dup (NM_001370251.2); c.1633CCG[3], p.Pro546dup (NM_001370260.2, NM_001370261.2, NM_130799.3); c.1528CCG[3], p.Pro511dup (NM_001370262.2, NM_001370263.2).
Identifiers: ClinVar variation 188183 (VCV000188183.14), dbSNP rs774350463, ClinGen allele CA334256.